The following is an entry in ClinVar:

ClinVar aggregate classification (germline): Uncertain significance (1 of 4 stars; one submission).

Conditions:
D-2-hydroxyglutaric aciduria 2 (D2HGA2). Identifiers: Orphanet 79315, MedGen C3150909, MONDO:0013345, OMIM 613657.

Allele frequency attached by ClinVar (database versions not stated): gnomAD exomes below 0.00001 and 0.00001; TOPMed 0.00001; ExAC 0.00002.
gnomAD v4.1: 2 of 1,613,822 alleles (0.00012%); highest among the groups gnomAD compares: Admixed American, 0.0033%; no homozygotes.

Submission:

Labcorp Genetics (formerly Invitae), Labcorp
Classification: Uncertain significance for D-2-hydroxyglutaric aciduria 2. Last evaluated: 2020-10-16. Review status: criteria provided, single submitter. Criteria: Invitae Variant Classification Sherloc (09022015). Collection method: clinical testing. Allele origin: germline.
Comment: This sequence change replaces histidine with leucine at codon 420 of the IDH2 protein (p.His420Leu). The histidine residue is highly conserved and there is a moderate physicochemical difference between histidine and leucine. This variant is present in population databases (rs748291315, ExAC 0.02%). In summary, the available evidence is currently insufficient to determine the role of this variant in disease. Therefore, it has been classified as a Variant of Uncertain Significance. Algorithms developed to predict the effect of missense changes on protein structure and function are either unavailable or do not agree on the potential impact of this missense change (SIFT: "Deleterious"; PolyPhen-2: "Probably Damaging"; Align-GVGD: "Class C15"). This variant has not been reported in the literature in individuals with IDH2-related conditions.

NM_002168.4(IDH2):c.1259A>T (p.His420Leu)

Gene: IDH2 (isocitrate dehydrogenase (NADP(+)) 2; minus strand). Cytogenetic location: 15q26.1.
Variant type: single nucleotide variant.
Coding change: c.1259A>T on transcript NM_002168.4 (MANE Select); coding-DNA position 1259, A replaced by T.
Protein change: p.His420Leu; replaces histidine 420 with leucine.
Molecular consequence: missense variant.
Genome position (GRCh38, 1-based): chr15:90,084,828, T>A on the plus strand (A>T on the coding strand, the complement: IDH2 is on the minus strand). VCF-style: chr15-90084828-T-A. GRCh37 (hg19) VCF-style: chr15-90628060-T-A.
Other names: c.1103A>T, p.His368Leu (NM_001289910.1); c.869A>T, p.His290Leu (NM_001290114.2); short protein forms H290L, H368L, H420L.
Identifiers: ClinVar variation 1010519 (VCV001010519.8), dbSNP rs748291315, ClinGen allele CA7732908.